The following is an entry in ClinVar:

NM_000064.4(C3):c.4850+6T>A

Gene: C3 (complement C3; minus strand). Cytogenetic location: 19p13.3.
Variant type: single nucleotide variant.
Coding change: c.4850+6T>A on transcript NM_000064.4 (MANE Select); 6 bases into the intron after coding-DNA position 4850, T replaced by A.
Molecular consequence: intron variant.
Genome position (GRCh38, 1-based): chr19:6,678,146, A>T on the plus strand (T>A on the coding strand, the complement: C3 is on the minus strand). VCF-style: chr19-6678146-A-T. GRCh37 (hg19) VCF-style: chr19-6678157-A-T.
Identifiers: ClinVar variation 2755176 (VCV002755176.3), dbSNP rs879114238, ClinGen allele CA631721969.

ClinVar aggregate classification (germline): Uncertain significance (1 of 4 stars; one submission).

gnomAD v4.1: 1 of 1,614,076 alleles (0.000062%); highest among the groups gnomAD compares: South Asian, 0.0011%; no homozygotes.

Submission:

Labcorp Genetics (formerly Invitae), Labcorp
Classification: Uncertain significance. Last evaluated: 2023-08-25. Review status: criteria provided, single submitter. Criteria: Invitae Variant Classification Sherloc (09022015). Collection method: clinical testing. Allele origin: germline.
Comment: This sequence change falls in intron 40 of the C3 gene. It does not directly change the encoded amino acid sequence of the C3 protein. It affects a nucleotide within the consensus splice site. This variant is present in population databases (no rsID available, gnomAD 0.003%). This variant has not been reported in the literature in individuals affected with C3-related conditions. Variants that disrupt the consensus splice site are a relatively common cause of aberrant splicing (PMID: 17576681, 9536098). Algorithms developed to predict the effect of sequence changes on RNA splicing suggest that this variant is not likely to affect RNA splicing. In summary, the available evidence is currently insufficient to determine the role of this variant in disease. Therefore, it has been classified as a Variant of Uncertain Significance.

Literature cited by the submitters: PubMed 17576681; PubMed 9536098.